The following is an entry in ClinVar:

ClinVar aggregate classification (germline): Uncertain significance (1 of 4 stars; one submission).

gnomAD v4.1: 6 of 1,246,334 alleles (0.00048%); highest among the groups gnomAD compares: South Asian, 0.0069%; no homozygotes.

Submission:

Labcorp Genetics (formerly Invitae), Labcorp
Classification: Uncertain significance. Last evaluated: 2025-07-20. Review status: criteria provided, single submitter. Criteria: Invitae Variant Classification Sherloc (09022015). Collection method: clinical testing. Allele origin: germline.
Comment: This sequence change replaces proline, which is neutral and non-polar, with alanine, which is neutral and non-polar, at codon 83 of the GATA5 protein (p.Pro83Ala). This variant is present in population databases (no rsID available, gnomAD 0.3%). This variant has not been reported in the literature in individuals affected with GATA5-related conditions. ClinVar contains an entry for this variant (Variation ID: 2902492). Invitae Evidence Modeling of protein sequence and biophysical properties (such as structural, functional, and spatial information, amino acid conservation, physicochemical variation, residue mobility, and thermodynamic stability) indicates that this missense variant is not expected to disrupt GATA5 protein function with a negative predictive value of 80%. In summary, the available evidence is currently insufficient to determine the role of this variant in disease. Therefore, it has been classified as a Variant of Uncertain Significance.

NM_080473.5(GATA5):c.247C>G (p.Pro83Ala)

Gene: GATA5 (GATA binding protein 5; minus strand). Cytogenetic location: 20q13.33.
Variant type: single nucleotide variant.
Coding change: c.247C>G on transcript NM_080473.5 (MANE Select); coding-DNA position 247, C replaced by G.
Protein change: p.Pro83Ala; replaces proline 83 with alanine.
Molecular consequence: missense variant.
Genome position (GRCh38, 1-based): chr20:62,475,275, G>C on the plus strand (C>G on the coding strand, the complement: GATA5 is on the minus strand). VCF-style: chr20-62475275-G-C. GRCh37 (hg19) VCF-style: chr20-61050331-G-C.
Other names: short protein forms P83A.
Identifiers: ClinVar variation 2902492 (VCV002902492.3), dbSNP rs1410534749, ClinGen allele CA409557205.